The following is an entry in ClinVar:

NM_001130009.3(GEN1):c.969T>G (p.Cys323Trp)

Gene: GEN1 (GEN1 structure-specific endonuclease; plus strand). Cytogenetic location: 2p24.2.
Variant type: single nucleotide variant.
Coding change: c.969T>G on transcript NM_001130009.3 (MANE Select); coding-DNA position 969, T replaced by G.
Protein change: p.Cys323Trp; replaces cysteine 323 with tryptophan.
Molecular consequence: missense variant.
Genome position (GRCh38, 1-based): chr2:17,773,111, T>G. VCF-style: chr2-17773111-T-G. GRCh37 (hg19) VCF-style: chr2-17954378-T-G.
Other names: c.969T>G, p.Cys323Trp (NM_182625.5); short protein forms C323W.
Identifiers: ClinVar variation 2978004 (VCV002978004.3), dbSNP rs1205211499, ClinGen allele CA345917947.

ClinVar aggregate classification (germline): Uncertain significance (1 of 4 stars; one submission).

Submission:

Labcorp Genetics (formerly Invitae), Labcorp
Classification: Uncertain significance. Last evaluated: 2023-11-25. Review status: criteria provided, single submitter. Criteria: Invitae Variant Classification Sherloc (09022015). Collection method: clinical testing. Allele origin: germline.
Comment: This sequence change replaces cysteine, which is neutral and slightly polar, with tryptophan, which is neutral and slightly polar, at codon 323 of the GEN1 protein (p.Cys323Trp). This variant is not present in population databases (gnomAD no frequency). This variant has not been reported in the literature in individuals affected with GEN1-related conditions. An algorithm developed to predict the effect of missense changes on protein structure and function (PolyPhen-2) suggests that this variant is likely to be disruptive. In summary, the available evidence is currently insufficient to determine the role of this variant in disease. Therefore, it has been classified as a Variant of Uncertain Significance.